The following is an entry in ClinVar:

NM_021728.4(OTX2):c.142C>T (p.Arg48Trp)

Gene: OTX2 (orthodenticle homeobox 2; minus strand). Cytogenetic location: 14q22.3.
Variant type: single nucleotide variant.
Coding change: c.142C>T on transcript NM_021728.4 (MANE Select); coding-DNA position 142, C replaced by T.
Protein change: p.Arg48Trp; replaces arginine 48 with tryptophan.
Molecular consequence: missense variant.
Genome position (GRCh38, 1-based): chr14:56,804,319, G>A on the plus strand (C>T on the coding strand, the complement: OTX2 is on the minus strand). VCF-style: chr14-56804319-G-A. GRCh37 (hg19) VCF-style: chr14-57271037-G-A.
Other names: c.118C>T, p.Arg40Trp (NM_001270523.2, NM_001270524.2, NM_172337.3); c.142C>T, p.Arg48Trp (NM_001270525.2); short protein forms R40W, R48W.
Identifiers: ClinVar variation 2123244 (VCV002123244.5), dbSNP rs2503908139, ClinGen allele CA390052522.
Genomic context (GRCh38, chr14:56,804,319, plus strand): 5'-TCTTGGCAAACAGTGCTTCCAGCACATCTAGCTGCGCCCGAGTGAACGTCGTCCTCTCCC[G>A]GCGCTGTTTCCGGGGGGTGGCTGCGGGACAAGAAGCCCAGGGCCCTTTAGGGTGGGGGAG-3'
Protein context (NP_068374.1, residues 38-58): CPAATPRKQR[Arg48Trp]ERTTFTRAQL

ClinVar aggregate classification (germline): Uncertain significance. Review status: criteria provided, multiple submitters, no conflicts (2 of 4 stars). 2 submissions from 2 submitters: Uncertain significance (2). Last evaluated 2025-12-29.

Conditions:
Anophthalmia-microphthalmia syndrome. Also called: Anophthalmia/Microphthalmia; Anophthalmia - microphthalmia. Identifiers: Orphanet 98555, MedGen C5680330, MONDO:0020147.
Syndromic microphthalmia type 5 (MCOPS5). Also called: RETINAL DYSTROPHY, EARLY-ONSET, WITH PITUITARY DYSFUNCTION; RETINAL DYSTROPHY, EARLY-ONSET, WITHOUT PITUITARY DYSFUNCTION. Identifiers: Orphanet 178364, MedGen C1864690, MONDO:0012413, OMIM 610125.

Submissions (2):

3billion
Classification: Uncertain significance for Syndromic microphthalmia type 5. Last evaluated: 2025-12-29. Review status: criteria provided, single submitter. Criteria: ACMG Guidelines, 2015. Collection method: clinical testing. Allele origin: germline. Affected: yes.
Comment: The variant is not observed in the gnomAD v4.1.0 dataset. Predicted Consequence/Location: Missense variant. The majority of the known disease-causing variants of this gene are variants expected to result in premature termination of the protein. In silico tool predictions suggest damaging effect of the variant on gene or gene product [REVEL: 0.80 (>=0.6, sensitivity 0.68 and specificity 0.92); 3Cnet: 0.95 (> 0.75, sensitivity 0.96 and precision 0.92)]. The variant has been reported as of uncertain significance (ClinVar ID: VCV002123244). Different missense changes at the same codon have been reported as of uncertain significance (ClinVar ID: VCV000450455). Therefore, this variant is classified as VUS according to the recommendation of ACMG/AMP guideline.

Labcorp Genetics (formerly Invitae), Labcorp
Classification: Uncertain significance for Anophthalmia-microphthalmia syndrome. Last evaluated: 2022-04-08. Review status: criteria provided, single submitter. Criteria: Invitae Variant Classification Sherloc (09022015). Collection method: clinical testing. Allele origin: germline.
Comment: In summary, the available evidence is currently insufficient to determine the role of this variant in disease. Therefore, it has been classified as a Variant of Uncertain Significance. Algorithms developed to predict the effect of missense changes on protein structure and function (SIFT, PolyPhen-2, Align-GVGD) all suggest that this variant is likely to be disruptive. This variant has not been reported in the literature in individuals affected with OTX2-related conditions. This variant is not present in population databases (gnomAD no frequency). This sequence change replaces arginine, which is basic and polar, with tryptophan, which is neutral and slightly polar, at codon 40 of the OTX2 protein (p.Arg40Trp).